The following is an entry in ClinVar:

ClinVar aggregate classification (germline): Uncertain significance (1 of 4 stars; one submission).

Submission:

Labcorp Genetics (formerly Invitae), Labcorp
Classification: Uncertain significance. Last evaluated: 2023-05-25. Review status: criteria provided, single submitter. Criteria: Invitae Variant Classification Sherloc (09022015). Collection method: clinical testing. Allele origin: germline.
Comment: In summary, the available evidence is currently insufficient to determine the role of this variant in disease. Therefore, it has been classified as a Variant of Uncertain Significance. An algorithm developed to predict the effect of missense changes on protein structure and function (PolyPhen-2) suggests that this variant is likely to be disruptive. This variant has not been reported in the literature in individuals affected with HMCN1-related conditions. This variant is not present in population databases (gnomAD no frequency). This sequence change replaces proline, which is neutral and non-polar, with leucine, which is neutral and non-polar, at codon 1108 of the HMCN1 protein (p.Pro1108Leu).

NM_031935.3(HMCN1):c.3323C>T (p.Pro1108Leu)

Gene: HMCN1 (hemicentin 1; plus strand). Cytogenetic location: 1q31.1.
Variant type: single nucleotide variant.
Coding change: c.3323C>T on transcript NM_031935.3 (MANE Select); coding-DNA position 3323, C replaced by T.
Protein change: p.Pro1108Leu; replaces proline 1108 with leucine.
Molecular consequence: missense variant.
Genome position (GRCh38, 1-based): chr1:185,990,389, C>T. VCF-style: chr1-185990389-C-T. GRCh37 (hg19) VCF-style: chr1-185959521-C-T.
Other names: short protein forms P1108L.
Identifiers: ClinVar variation 2848294 (VCV002848294.3), dbSNP rs2527396538, ClinGen allele CA343894335.